The following is an entry in ClinVar:

ClinVar aggregate classification (germline): Likely pathogenic (1 of 4 stars; one submission).

Conditions:
Glycogen storage disease, type IV (GSD4). Also called: AMYLOPECTINOSIS; ANDERSEN DISEASE; BRANCHER DEFICIENCY; CIRRHOSIS, FAMILIAL, WITH DEPOSITION OF ABNORMAL GLYCOGEN; GBE1 DEFICIENCY; GLYCOGEN BRANCHING ENZYME DEFICIENCY. Identifiers: Orphanet 367, MedGen C0017923, MONDO:0009292, OMIM 232500.

Submission:

Natera, Inc.
Classification: Likely pathogenic for Glycogen storage disease type IV. Last evaluated: 2025-10-15. Review status: criteria provided, single submitter. Criteria: Natera Variant Classification Schema (03/2026). Collection method: clinical testing. Allele origin: germline.
Comment: The c.1237-2A>G variant in GBE1 is a canonical splice acceptor site variant predicted to affect pre-mRNA splicing, which may result in an abnormal transcript and altered protein product. This variant may result in a truncated or dysfunctional protein product. This variant is rare in the general population with a frequency below the threshold expected for the associated phenotype(s). This variant has been observed in one or more individuals affected with the associated recessive disease, as either homozygous or compound heterozygous with a second variant (PMID: 27243974). Given the available evidence, this variant is classified as Likely Pathogenic.

Literature cited by the submitters: PubMed 27243974.

NM_000158.4(GBE1):c.1237-2A>G

Gene: GBE1 (1,4-alpha-glucan branching enzyme 1; minus strand). Cytogenetic location: 3p12.2.
Variant type: single nucleotide variant.
Coding change: c.1237-2A>G on transcript NM_000158.4 (MANE Select); the canonical splice acceptor site of the intron before coding-DNA position 1237, A replaced by G.
Molecular consequence: splice acceptor variant.
Genome position (GRCh38, 1-based): chr3:81,586,192, T>C on the plus strand (A>G on the coding strand, the complement: GBE1 is on the minus strand). VCF-style: chr3-81586192-T-C. GRCh37 (hg19) VCF-style: chr3-81635343-T-C.
Identifiers: ClinVar variation 4817832 (VCV004817832.1).
Genomic context (GRCh38, chr3:81,586,192, plus strand): 5'-TCAAAACCACCCCCTCCCTGGGAAATTGGAGAGCACAGAGCTGGCATTCCTGATACATCC[T>C]ACAACAAAGAACGTCGGTTCATAATGATCAAACTTTTAGTAAATATTCTGACTGTAAAGC-3'